The following is an entry in ClinVar:

ClinVar aggregate classification (germline): Likely benign (1 of 4 stars; one submission).

Allele frequency attached by ClinVar (database versions not stated): ExAC 0.00162; TOPMed 0.00005; gnomAD 0.00017; 1000 Genomes Project 30x 0.00109; 1000 Genomes Project 0.00120.
gnomAD v4.1: 485 of 1,587,942 alleles (0.031%); highest among the groups gnomAD compares: South Asian, 0.48%; 5 homozygotes.

Submission:

CeGaT Center for Human Genetics Tuebingen
Classification: Likely benign. Last evaluated: 2023-04-01. Review status: criteria provided, single submitter. Criteria: CeGaT Center For Human Genetics Tuebingen Variant Classification Criteria Version 2. Collection method: clinical testing. Allele origin: germline. Affected: yes. Observed: 1 variant allele.
Comment: FLYWCH1: BP4, BP7

NM_001308068.2(FLYWCH1):c.1428T>G (p.Gly476=)

Gene: FLYWCH1 (FLYWCH-type zinc finger 1; plus strand). Cytogenetic location: 16p13.3.
Variant type: single nucleotide variant.
Coding change: c.1428T>G on transcript NM_001308068.2 (MANE Select); coding-DNA position 1428, T replaced by G.
Protein change: p.Gly476=; no amino-acid change (glycine 476 retained).
Molecular consequence: synonymous variant.
Genome position (GRCh38, 1-based): chr16:2,933,894, T>G. VCF-style: chr16-2933894-T-G. GRCh37 (hg19) VCF-style: chr16-2983895-T-G.
Other names: c.1425T>G, p.Gly475= (NM_020912.2, NM_032296.3).
Identifiers: ClinVar variation 2646090 (VCV002646090.24), dbSNP rs539929256, ClinGen allele CA7852151.